The following is an entry in ClinVar:

ClinVar aggregate classification (germline): Uncertain significance (1 of 4 stars; one submission).

gnomAD v4.1: 7 of 1,602,304 alleles (0.00044%); highest among the groups gnomAD compares: South Asian, 0.0078%; no homozygotes.

Submission:

Ambry Genetics
Classification: Uncertain significance. Last evaluated: 2024-11-26. Review status: criteria provided, single submitter. Criteria: Ambry Variant Classification Scheme 2023. Collection method: clinical testing. Allele origin: germline.
Comment: The p.L752F variant (also known as c.2254C>T), located in coding exon 10 of the WNK2 gene, results from a C to T substitution at nucleotide position 2254. The leucine at codon 752 is replaced by phenylalanine, an amino acid with highly similar properties. This amino acid position is conserved. In addition, this alteration is predicted to be tolerated by in silico analysis. Based on the available evidence, the clinical significance of this variant remains unclear.

NM_006648.4(WNK2):c.2254C>T (p.Leu752Phe)

Gene: WNK2 (WNK lysine deficient protein kinase 2; plus strand). Cytogenetic location: 9q22.31.
Variant type: single nucleotide variant.
Coding change: c.2254C>T on transcript NM_006648.4 (MANE Select); coding-DNA position 2254, C replaced by T.
Protein change: p.Leu752Phe; replaces leucine 752 with phenylalanine.
Molecular consequence: missense variant.
Genome position (GRCh38, 1-based): chr9:93,257,011, C>T. VCF-style: chr9-93257011-C-T. GRCh37 (hg19) VCF-style: chr9-96019293-C-T.
Other names: c.2254C>T, p.Leu752Phe (NM_001282394.3); short protein forms L752F.
Identifiers: ClinVar variation 3470441 (VCV003470441.1).